The following is an entry in ClinVar:

NM_000179.3(MSH6):c.3459G>A (p.Met1153Ile)

Gene: MSH6 (mutS homolog 6; plus strand). Cytogenetic location: 2p16.3.
Variant type: single nucleotide variant.
Coding change: c.3459G>A on transcript NM_000179.3 (MANE Select); coding-DNA position 3459, G replaced by A.
Protein change: p.Met1153Ile; replaces methionine 1153 with isoleucine.
Molecular consequence: missense variant.
Genome position (GRCh38, 1-based): chr2:47,804,930, G>A. VCF-style: chr2-47804930-G-A. GRCh37 (hg19) VCF-style: chr2-48032069-G-A.
Other names: c.3069G>A, p.Met1023Ile (NM_001281492.2); c.2553G>A, p.Met851Ile (NM_001281493.2, NM_001281494.2); short protein forms M1153I, M851I, M1023I.
Identifiers: ClinVar variation 490004 (VCV000490004.19), dbSNP rs1553332160, ClinGen allele CA346760030.
Genomic context (GRCh38, chr2:47,804,930, plus strand): 5'-ACTACCAGTCATAAAAGACCTTTTCCTCCCTCATTCACAGGCTGGCTTATTAGCTGTAAT[G>A]GCCCAGATGGGTTGTTACGTCCCTGCTGAAGTGTGCAGGCTCACACCAATTGATAGAGTG-3'
Protein context (NP_000170.1, residues 1143-1163): LMRQAGLLAV[Met1153Ile]AQMGCYVPAE

ClinVar aggregate classification (germline): Uncertain significance. Review status: criteria provided, multiple submitters, no conflicts (2 of 4 stars). 5 submissions from 5 submitters: Uncertain significance (5). Last evaluated 2025-09-11.

Conditions:
Hereditary cancer-predisposing syndrome. Also called: Hereditary Cancer Syndrome; Neoplastic Syndromes, Hereditary; Tumor predisposition; Hereditary neoplastic syndrome. Identifiers: Orphanet 140162, MedGen C0027672, MeSH D009386, MONDO:0015356.
Lynch syndrome. Identifiers: Orphanet 144, MedGen C4552100, MONDO:0005835. Disease mechanism: loss of function.
Hereditary nonpolyposis colorectal neoplasms. Identifiers: MedGen C0009405, MeSH D003123.

Allele frequency attached by ClinVar (database versions not stated): TOPMed below 0.00001.

Submissions (5):

Ambry Genetics
Classification: Uncertain significance for Hereditary cancer-predisposing syndrome. Last evaluated: 2025-09-11. Review status: criteria provided, single submitter. Criteria: Ambry Variant Classification Scheme 2023. Collection method: clinical testing. Allele origin: germline.
Comment: The p.M1153I variant (also known as c.3459G>A), located in coding exon 6 of the MSH6 gene, results from a G to A substitution at nucleotide position 3459. The methionine at codon 1153 is replaced by isoleucine, an amino acid with highly similar properties. This amino acid position is well conserved in available vertebrate species. In addition, the in silico prediction for this alteration is inconclusive. Based on the available evidence, the clinical significance of this variant remains unclear.

Color Diagnostics, LLC DBA Color Health
Classification: Uncertain significance for Hereditary cancer-predisposing syndrome. Last evaluated: 2024-03-06. Review status: criteria provided, single submitter. Criteria: ACMG Guidelines, 2015. Collection method: clinical testing. Allele origin: germline.
Comment: This missense variant replaces methionine with isoleucine at codon 1153 of the MSH6 protein. Computational prediction is inconclusive regarding the impact of this variant on protein structure and function (internally defined REVEL score threshold 0.5 < inconclusive < 0.7, PMID: 27666373). To our knowledge, functional studies have not been reported for this variant. This variant has not been reported in individuals affected with MSH6-related disorders in the literature. This variant has not been identified in the general population by the Genome Aggregation Database (gnomAD). The available evidence is insufficient to determine the role of this variant in disease conclusively. Therefore, this variant is classified as a Variant of Uncertain Significance.

Labcorp Genetics (formerly Invitae), Labcorp
Classification: Uncertain significance for Hereditary nonpolyposis colorectal neoplasms. Last evaluated: 2023-10-17. Review status: criteria provided, single submitter. Criteria: Invitae Variant Classification Sherloc (09022015). Collection method: clinical testing. Allele origin: germline.
Comment: This sequence change replaces methionine, which is neutral and non-polar, with isoleucine, which is neutral and non-polar, at codon 1153 of the MSH6 protein (p.Met1153Ile). This variant is not present in population databases (gnomAD no frequency). This variant has not been reported in the literature in individuals affected with MSH6-related conditions. ClinVar contains an entry for this variant (Variation ID: 490004). Advanced modeling of protein sequence and biophysical properties (such as structural, functional, and spatial information, amino acid conservation, physicochemical variation, residue mobility, and thermodynamic stability) performed at Invitae indicates that this missense variant is not expected to disrupt MSH6 protein function. In summary, the available evidence is currently insufficient to determine the role of this variant in disease. Therefore, it has been classified as a Variant of Uncertain Significance.

All of Us Research Program, National Institutes of Health
Classification: Uncertain significance for Lynch syndrome. Last evaluated: 2023-08-15. Review status: criteria provided, single submitter. Criteria: ACMG Guidelines, 2015. Collection method: clinical testing. Allele origin: germline. Inheritance: Autosomal dominant inheritance. Observed: 2 variant alleles, 2 heterozygotes.
Comment: This missense variant replaces methionine with isoleucine at codon 1153 of the MSH6 protein. Computational prediction is inconclusive regarding the impact of this variant on protein structure and function (internally defined REVEL score threshold 0.5 < inconclusive < 0.7, PMID: 27666373). To our knowledge, functional studies have not been reported for this variant. This variant has not been reported in individuals affected with hereditary cancer in the literature. This variant has not been identified in the general population by the Genome Aggregation Database (gnomAD). The available evidence is insufficient to determine the role of this variant in disease conclusively. Therefore, this variant is classified as a Variant of Uncertain Significance.

This study involves interpretation of variants in research participants for the purpose of population health screening. Participant phenotype was not available at the time of variant classification. Additional details can be found in publication PMID: 35346344, PMCID: PMC8962531

Women's Health and Genetics/Laboratory Corporation of America, LabCorp
Classification: Uncertain significance. Last evaluated: 2023-01-29. Review status: criteria provided, single submitter. Criteria: LabCorp Variant Classification Summary - May 2015. Collection method: clinical testing. Allele origin: germline.